The following is an entry in ClinVar:

ClinVar aggregate classification (germline): Pathogenic (1 of 4 stars; one submission).

Conditions:
Joubert syndrome. Also called: CEREBELLOPARENCHYMAL DISORDER IV; JOUBERT-BOLTSHAUSER SYNDROME; Familial aplasia of the vermis. Identifiers: Orphanet 475, MedGen C5979921, MONDO:0018772.
Nephronophthisis. Also called: Juvenile Nephronophthisis. Identifiers: Orphanet 655, MedGen C0687120, MONDO:0019005, HP:0000090.
Meckel-Gruber syndrome. Also called: DYSENCEPHALIA SPLANCHNOCYSTICA; GRUBER SYNDROME; Dysencephalia splachnocystica. Identifiers: Orphanet 564, MedGen C0265215, MONDO:0018921.

Submission:

Labcorp Genetics (formerly Invitae), Labcorp
Classification: Pathogenic for Joubert syndrome; Meckel-Gruber syndrome; Nephronophthisis. Last evaluated: 2024-02-04. Review status: criteria provided, single submitter. Criteria: Invitae Variant Classification Sherloc (09022015). Collection method: clinical testing. Allele origin: germline.
Comment: This sequence change creates a premature translational stop signal (p.Gln2168*) in the CEP290 gene. It is expected to result in an absent or disrupted protein product. Loss-of-function variants in CEP290 are known to be pathogenic (PMID: 16909394, 17345604, 20690115). This variant is not present in population databases (gnomAD no frequency). This variant has not been reported in the literature in individuals affected with CEP290-related conditions. Algorithms developed to predict the effect of sequence changes on RNA splicing suggest that this variant may disrupt the consensus splice site. For these reasons, this variant has been classified as Pathogenic.

Literature cited by the submitters: PubMed 16909394; PubMed 17345604; PubMed 20690115.

NM_025114.4(CEP290):c.6502C>T (p.Gln2168Ter)

Gene: CEP290 (centrosomal protein 290; minus strand). Cytogenetic location: 12q21.32.
Variant type: single nucleotide variant.
Coding change: c.6502C>T on transcript NM_025114.4 (MANE Select); coding-DNA position 6502, C replaced by T.
Protein change: p.Gln2168Ter; replaces glutamine 2168 with a stop codon.
Molecular consequence: nonsense.
Genome position (GRCh38, 1-based): chr12:88,060,850, G>A on the plus strand (C>T on the coding strand, the complement: CEP290 is on the minus strand). VCF-style: chr12-88060850-G-A. GRCh37 (hg19) VCF-style: chr12-88454627-G-A.
Other names: short protein forms Q2168*.
Identifiers: ClinVar variation 3749629 (VCV003749629.2).